The following is an entry in ClinVar:

NM_001367624.2(ZNF469):c.7300C>G (p.Pro2434Ala)

Gene: ZNF469 (zinc finger protein 469; plus strand). Cytogenetic location: 16q24.2.
Variant type: single nucleotide variant.
Coding change: c.7300C>G on transcript NM_001367624.2 (MANE Select); coding-DNA position 7300, C replaced by G.
Protein change: p.Pro2434Ala; replaces proline 2434 with alanine.
Molecular consequence: missense variant.
Genome position (GRCh38, 1-based): chr16:88,434,770, C>G. VCF-style: chr16-88434770-C-G. GRCh37 (hg19) VCF-style: chr16-88501178-C-G.
Other names: NM_001127464.1:c.7216C>G; short protein forms P2434A.
Identifiers: ClinVar variation 1503060 (VCV001503060.6), dbSNP rs1326987889, ClinGen allele CA397109245.

ClinVar aggregate classification (germline): Uncertain significance. Review status: criteria provided, multiple submitters, no conflicts (2 of 4 stars). 2 submissions from 2 submitters: Uncertain significance (2). Last evaluated 2025-04-24.

Conditions:
Cardiovascular phenotype. Identifiers: MedGen CN230736.

Allele frequency attached by ClinVar (database versions not stated): gnomAD exomes 0.00003 and 0.00001.
gnomAD v4.1: 6 of 1,550,372 alleles (0.00039%); highest among the groups gnomAD compares: Admixed American, 0.012%; no homozygotes.

Submissions (2):

Ambry Genetics
Classification: Uncertain significance for Cardiovascular phenotype. Last evaluated: 2025-04-24. Review status: criteria provided, single submitter. Criteria: Ambry Variant Classification Scheme 2023. Collection method: clinical testing. Allele origin: germline.
Comment: The p.P2406A variant (also known as c.7216C>G), located in coding exon 2 of the ZNF469 gene, results from a C to G substitution at nucleotide position 7216. The proline at codon 2406 is replaced by alanine, an amino acid with highly similar properties. This amino acid position is conserved. In addition, this alteration is predicted to be tolerated by in silico analysis. Since supporting evidence is limited at this time, the clinical significance of this alteration remains unclear.

Labcorp Genetics (formerly Invitae), Labcorp
Classification: Uncertain significance. Last evaluated: 2022-06-27. Review status: criteria provided, single submitter. Criteria: Invitae Variant Classification Sherloc (09022015). Collection method: clinical testing. Allele origin: germline.
Comment: This sequence change replaces proline, which is neutral and non-polar, with alanine, which is neutral and non-polar, at codon 2406 of the ZNF469 protein (p.Pro2406Ala). This variant is present in population databases (no rsID available, gnomAD 0.02%). This variant has not been reported in the literature in individuals affected with ZNF469-related conditions. Algorithms developed to predict the effect of missense changes on protein structure and function (SIFT, PolyPhen-2, Align-GVGD) all suggest that this variant is likely to be tolerated. In summary, the available evidence is currently insufficient to determine the role of this variant in disease. Therefore, it has been classified as a Variant of Uncertain Significance.